The following is an entry in ClinVar:

NM_000187.4(HGD):c.473C>G (p.Pro158Arg)

Gene: HGD (homogentisate 1,2-dioxygenase; minus strand). Cytogenetic location: 3q13.33.
Variant type: single nucleotide variant.
Coding change: c.473C>G on transcript NM_000187.4 (MANE Select); coding-DNA position 473, C replaced by G.
Protein change: p.Pro158Arg; replaces proline 158 with arginine.
Molecular consequence: missense variant.
Genome position (GRCh38, 1-based): chr3:120,647,049, G>C on the plus strand (C>G on the coding strand, the complement: HGD is on the minus strand). VCF-style: chr3-120647049-G-C. GRCh37 (hg19) VCF-style: chr3-120365896-G-C.
Other names: short protein forms P158R.
Identifiers: ClinVar variation 2626844 (VCV002626844.1), dbSNP rs375396766, ClinGen allele CA354077220.

ClinVar aggregate classification (germline): Pathogenic (0 of 4 stars; one submission).

Conditions:
Alkaptonuria (AKU). Also called: Alkaptonuric ochronosis; Homogentisic acidura; Alcaptonuria; HOMOGENTISIC ACID OXIDASE DEFICIENCY. Identifiers: Orphanet 56, MedGen C0002066, MONDO:0008753, OMIM 203500.

Submission:

Department Of Human Genetics, Institute Of Clinical And Translational Research, Biomedical Research Center, Slovak Academy Of Sciences
Classification: Pathogenic for Alkaptonuria. Review status: no assertion criteria provided. Collection method: research. Allele origin: germline. Inheritance: Autosomal recessive inheritance. Affected: yes. Observed: 1 variant allele.
Comment: The variant was originally described in AKU patient in PMID:12501223. It has been submitted to the HGD gene mutation database (DB-ID: AKU_00047).

Literature cited by the submitters: PubMed 12501223.